The following is an entry in ClinVar:

NM_006265.3(RAD21):c.513G>A (p.Met171Ile)

Gene: RAD21 (RAD21 cohesin complex component; minus strand). Cytogenetic location: 8q24.11.
Variant type: single nucleotide variant.
Coding change: c.513G>A on transcript NM_006265.3 (MANE Select); coding-DNA position 513, G replaced by A.
Protein change: p.Met171Ile; replaces methionine 171 with isoleucine.
Molecular consequence: missense variant.
Genome position (GRCh38, 1-based): chr8:116,857,442, C>T on the plus strand (G>A on the coding strand, the complement: RAD21 is on the minus strand). VCF-style: chr8-116857442-C-T. GRCh37 (hg19) VCF-style: chr8-117869681-C-T.
Other names: short protein forms M171I.
Identifiers: ClinVar variation 2700050 (VCV002700050.3), dbSNP rs2537297880, ClinGen allele CA372006917.

ClinVar aggregate classification (germline): Uncertain significance (1 of 4 stars; one submission).

Conditions:
Cornelia de Lange syndrome 4 (CDLS4). Also called: RAD21-Related Cornelia de Lange Syndrome; CORNELIA DE LANGE SYNDROME 4 WITH OR WITHOUT MIDLINE BRAIN DEFECTS. Identifiers: Orphanet 199, MedGen C3553517, MONDO:0013864, OMIM 614701.

Submission:

Labcorp Genetics (formerly Invitae), Labcorp
Classification: Uncertain significance for Cornelia de Lange syndrome 4. Last evaluated: 2023-12-01. Review status: criteria provided, single submitter. Criteria: Invitae Variant Classification Sherloc (09022015). Collection method: clinical testing. Allele origin: germline.
Comment: This sequence change replaces methionine, which is neutral and non-polar, with isoleucine, which is neutral and non-polar, at codon 171 of the RAD21 protein (p.Met171Ile). This variant is not present in population databases (gnomAD no frequency). This variant has not been reported in the literature in individuals affected with RAD21-related conditions. Advanced modeling of protein sequence and biophysical properties (such as structural, functional, and spatial information, amino acid conservation, physicochemical variation, residue mobility, and thermodynamic stability) performed at Invitae indicates that this missense variant is not expected to disrupt RAD21 protein function with a negative predictive value of 80%. In summary, the available evidence is currently insufficient to determine the role of this variant in disease. Therefore, it has been classified as a Variant of Uncertain Significance.